The following is an entry in ClinVar:

NM_003108.4(SOX11):c.675CGA[6] (p.Asp231_Asp233del)

Gene: SOX11 (SRY-box transcription factor 11; plus strand). Cytogenetic location: 2p25.2.
Variant type: Microsatellite.
Coding change: c.675CGA[6] on transcript NM_003108.4 (MANE Select); six copies in a row of the 3-base unit CGA starting at c.675; the reference has nine copies in a row; three copies, 9 bases deleted.
Protein change: p.Asp231_Asp233del.
Molecular consequence: inframe deletion.
Genome position (GRCh38, 1-based): chr2:5,693,414-5,693,422, CGACGACGA deleted; deleting any 9 consecutive bases within chr2:5,693,394-5,693,422 gives the same sequence; the position shown is the placement nearest the transcript's 3' end. VCF-style (leftmost placement, unchanged base first): chr2-5693393-GGACGACGAC-G. GRCh37 (hg19) VCF-style: chr2-5833525-GGACGACGAC-G.
Identifiers: ClinVar variation 2711499 (VCV002711499.4), dbSNP rs746846042, ClinGen allele CA1517885.

ClinVar aggregate classification (germline): Conflicting classifications of pathogenicity. Review status: criteria provided, conflicting classifications (1 of 4 stars). 2 submissions from 2 submitters: Uncertain significance (1); Likely benign (1). Last evaluated 2024-05-08.

Submissions (2):

Blueprint Genetics
Classification: Likely benign. Last evaluated: 2024-05-08. Review status: criteria provided, single submitter. Criteria: ACMG Guidelines, 2015. Collection method: clinical testing. Allele origin: germline.

Labcorp Genetics (formerly Invitae), Labcorp
Classification: Uncertain significance. Last evaluated: 2023-10-17. Review status: criteria provided, single submitter. Criteria: Invitae Variant Classification Sherloc (09022015). Collection method: clinical testing. Allele origin: germline.
Comment: This variant, c.693_701del, results in the deletion of 3 amino acid(s) of the SOX11 protein (p.Asp231_Asp233del), but otherwise preserves the integrity of the reading frame. The frequency data for this variant in the population databases is considered unreliable, as metrics indicate poor data quality at this position in the gnomAD database. This variant has not been reported in the literature in individuals affected with SOX11-related conditions. Experimental studies and prediction algorithms are not available or were not evaluated, and the functional significance of this variant is currently unknown. In summary, the available evidence is currently insufficient to determine the role of this variant in disease. Therefore, it has been classified as a Variant of Uncertain Significance.